The following is an entry in ClinVar:

NM_005228.5(EGFR):c.1118C>G (p.Pro373Arg)

Genes: EGFR (epidermal growth factor receptor; plus strand), LOC126860048 (P300/CBP strongly-dependent group 1 enhancer GRCh37_chr7:55223847-55225046; plus strand). Cytogenetic location: 7p11.2.
Variant type: single nucleotide variant.
Coding change: c.1118C>G on transcript NM_005228.5 (MANE Select); coding-DNA position 1118, C replaced by G.
Protein change: p.Pro373Arg; replaces proline 373 with arginine.
Molecular consequence: missense variant.
Genome position (GRCh38, 1-based): chr7:55,156,644, C>G. VCF-style: chr7-55156644-C-G. GRCh37 (hg19) VCF-style: chr7-55224337-C-G.
Other names: c.983C>G, p.Pro328Arg (NM_001346897.2, NM_001346899.2); c.1118C>G, p.Pro373Arg (NM_001346898.2, NM_201282.2, NM_201283.2 and 1 more transcripts); c.959C>G, p.Pro320Arg (NM_001346900.2); c.317C>G, p.Pro106Arg (NM_001346941.2); short protein forms P106R, P320R, P328R, P373R.
Identifiers: ClinVar variation 1692864 (VCV001692864.4), dbSNP rs2128938429, ClinGen allele CA367578437.

ClinVar aggregate classification (germline): Uncertain significance. Review status: criteria provided, multiple submitters, no conflicts (2 of 4 stars). 3 submissions from 3 submitters: Uncertain significance (3). Last evaluated 2026-07-07.

Conditions:
Hereditary cancer-predisposing syndrome. Also called: Tumor predisposition; Hereditary neoplastic syndrome; Neoplastic Syndromes, Hereditary; Hereditary Cancer Syndrome. Identifiers: Orphanet 140162, MedGen C0027672, MeSH D009386, MONDO:0015356.
EGFR-related lung cancer (EGFR). Identifiers: MedGen CN130014.

Submissions (3):

Ambry Genetics
Classification: Uncertain significance for Hereditary cancer-predisposing syndrome. Last evaluated: 2026-07-07. Review status: criteria provided, single submitter. Criteria: Ambry Variant Classification Scheme 2023. Collection method: clinical testing. Allele origin: germline.
Comment: The p.P373R variant (also known as c.1118C>G), located in coding exon 9 of the EGFR gene, results from a C to G substitution at nucleotide position 1118. The proline at codon 373 is replaced by arginine, an amino acid with dissimilar properties. This amino acid position is conserved. In addition, the in silico prediction for this alteration is inconclusive. Based on the available evidence, the clinical significance of this variant remains unclear.

Labcorp Genetics (formerly Invitae), Labcorp
Classification: Uncertain significance for EGFR-related lung cancer. Last evaluated: 2024-06-19. Review status: criteria provided, single submitter. Criteria: Invitae Variant Classification Sherloc (09022015). Collection method: clinical testing. Allele origin: germline.
Comment: This sequence change replaces proline, which is neutral and non-polar, with arginine, which is basic and polar, at codon 373 of the EGFR protein (p.Pro373Arg). This variant is not present in population databases (gnomAD no frequency). This variant has not been reported in the literature in individuals affected with EGFR-related conditions. ClinVar contains an entry for this variant (Variation ID: 1692864). Advanced modeling of protein sequence and biophysical properties (such as structural, functional, and spatial information, amino acid conservation, physicochemical variation, residue mobility, and thermodynamic stability) performed at Invitae indicates that this missense variant is not expected to disrupt EGFR protein function with a negative predictive value of 80%. In summary, the available evidence is currently insufficient to determine the role of this variant in disease. Therefore, it has been classified as a Variant of Uncertain Significance.

Sema4
Classification: Uncertain significance for Hereditary cancer-predisposing syndrome. Last evaluated: 2021-10-19. Review status: criteria provided, single submitter. Criteria: Sema4 Curation Guidelines. Collection method: curation. Allele origin: germline.
Comment: The EGFR c.1118C>G (p.P373R) variant has not been reported in the literature to our knowledge. It was not observed in the large and broad cohorts of the Genome Aggregation Database, and has not been reported in ClinVar. Functional studies have not been performed, and in silico predictions of the variant's effect on protein function are inconclusive. The evidence is insufficient to meet ACMG/AMP criteria for classifying the variant as benign or pathogenic. Thus, the clinical significance of this variant is currently uncertain.